The following is an entry in ClinVar:

NM_182914.3(SYNE2):c.16085C>T (p.Thr5362Ile)

Gene: SYNE2 (spectrin repeat containing nuclear envelope protein 2; plus strand). Cytogenetic location: 14q23.2.
Variant type: single nucleotide variant.
Coding change: c.16085C>T on transcript NM_182914.3 (MANE Select); coding-DNA position 16085, C replaced by T.
Protein change: p.Thr5362Ile; replaces threonine 5362 with isoleucine.
Molecular consequence: missense variant.
Genome position (GRCh38, 1-based): chr14:64,159,433, C>T. VCF-style: chr14-64159433-C-T. GRCh37 (hg19) VCF-style: chr14-64626151-C-T.
Other names: c.16085C>T, p.Thr5362Ile (NM_015180.6); short protein forms T5362I.
Identifiers: ClinVar variation 2548382 (VCV002548382.3), dbSNP rs770496891, ClinGen allele CA7223250.

ClinVar aggregate classification (germline): Uncertain significance. Review status: criteria provided, multiple submitters, no conflicts (2 of 4 stars). 2 submissions from 2 submitters: Uncertain significance (2). Last evaluated 2025-07-22.

Conditions:
Emery-Dreifuss muscular dystrophy 5, autosomal dominant (EDMD5). Also called: EMERY-DREIFUSS MUSCULAR DYSTROPHY 5. Identifiers: Orphanet 261, MedGen C2751805, MONDO:0013072, OMIM 612999.

Allele frequency attached by ClinVar (database versions not stated): gnomAD exomes 0.00001; TOPMed 0.00001; ExAC 0.00004.
gnomAD v4.1: 11 of 1,613,676 alleles (0.00068%); highest among the groups gnomAD compares: East Asian, 0.018%; no homozygotes.

Submissions (2):

Labcorp Genetics (formerly Invitae), Labcorp
Classification: Uncertain significance for Emery-Dreifuss muscular dystrophy 5, autosomal dominant. Last evaluated: 2025-07-22. Review status: criteria provided, single submitter. Criteria: Invitae Variant Classification Sherloc (09022015). Collection method: clinical testing. Allele origin: germline.
Comment: This sequence change replaces threonine, which is neutral and polar, with isoleucine, which is neutral and non-polar, at codon 5362 of the SYNE2 protein (p.Thr5362Ile). This variant is present in population databases (rs770496891, gnomAD 0.06%), and has an allele count higher than expected for a pathogenic variant. This variant has not been reported in the literature in individuals affected with SYNE2-related conditions. ClinVar contains an entry for this variant (Variation ID: 2548382). An algorithm developed to predict the effect of missense changes on protein structure and function outputs the following: PolyPhen-2: "Benign". The isoleucine amino acid residue is found in multiple mammalian species, which suggests that this missense change does not adversely affect protein function. In summary, the available evidence is currently insufficient to determine the role of this variant in disease. Therefore, it has been classified as a Variant of Uncertain Significance.

Ambry Genetics
Classification: Uncertain significance. Last evaluated: 2023-05-18. Review status: criteria provided, single submitter. Criteria: Ambry Variant Classification Scheme 2023. Collection method: clinical testing. Allele origin: germline.